The following is an entry in ClinVar:

NM_000533.5(PLP1):c.4+1G>T

Genes: PLP1 (proteolipid protein 1; plus strand), RAB9B (RAB9B, member RAS oncogene family; minus strand). Cytogenetic location: Xq22.2.
Variant type: single nucleotide variant.
Coding change: c.4+1G>T on transcript NM_000533.5 (MANE Select); the canonical splice donor site of the intron after coding-DNA position 4, G replaced by T.
Molecular consequence: splice donor variant.
Genome position (GRCh38, 1-based): chrX:103,777,000, G>T. VCF-style: chrX-103777000-G-T. GRCh37 (hg19) VCF-style: chrX-103031928-G-T.
Other names: c.4+1G>T (NM_001128834.3, NM_199478.3, NM_001305004.1).
Identifiers: ClinVar variation 3603496 (VCV003603496.2).
Genomic context (GRCh38, chrX:103,777,000, plus strand): 5'-TCAGCCACAAAGCAGACTAGCCAGCCGGCTACAATTGGAGTCAGAGTCCCAAAGACATGG[G>T]TAAGTTTCAAAAACTTTAGCATTGAAGATTCAAGAGGACACAGGAATTCACAAGAGAATT-3'

ClinVar aggregate classification (germline): Pathogenic (1 of 4 stars; one submission).

Conditions:
Hereditary spastic paraplegia 2 (SPG2). Also called: SPASTIC PARAPLEGIA 2, X-LINKED; Spastic Paraplegia 2 (SPG2). Identifiers: Orphanet 99015, MedGen C0751604, MONDO:0010733, OMIM 312920.

Submission:

Labcorp Genetics (formerly Invitae), Labcorp
Classification: Pathogenic for Hereditary spastic paraplegia 2. Last evaluated: 2024-05-21. Review status: criteria provided, single submitter. Criteria: Invitae Variant Classification Sherloc (09022015). Collection method: clinical testing. Allele origin: germline.
Comment: This sequence change affects a donor splice site in intron 1 of the PLP1 gene. It is expected to disrupt RNA splicing. Variants that disrupt the donor or acceptor splice site typically lead to a loss of protein function (PMID: 16199547), and loss-of-function variants in PLP1 are known to be pathogenic (PMID: 18470932). This variant is not present in population databases (gnomAD no frequency). Disruption of this splice site has been observed in individual(s) with clinical features of PLP1-related conditions (PMID: 35012964). Studies have shown that disruption of this splice site alters PLP1 gene expression (PMID: 35012964). Algorithms developed to predict the effect of sequence changes on RNA splicing suggest that this variant may disrupt the consensus splice site. For these reasons, this variant has been classified as Pathogenic.

Literature cited by the submitters: PubMed 16199547; PubMed 18470932; PubMed 35012964.